The following is an entry in ClinVar:

ClinVar aggregate classification (germline): Benign (1 of 4 stars; one submission).

Conditions:
Lymphoproliferative syndrome 1 (LPFS1). Identifiers: Orphanet 238505, Orphanet 538963, MedGen C3552634, MONDO:0013081, OMIM 613011.

Allele frequency attached by ClinVar (database versions not stated): TOPMed 0.00303; gnomAD exomes 0.00308; 1000 Genomes Project 0.00359; 1000 Genomes Project 30x 0.00359.
gnomAD v4.1: 605 of 220,424 alleles (0.27%); highest among the groups gnomAD compares: East Asian, 1.6%; 2 homozygotes.

Submission:

Illumina Laboratory Services, Illumina
Classification: Benign for Lymphoproliferative syndrome 1. Last evaluated: 2018-01-13. Review status: criteria provided, single submitter. Criteria: ICSL Variant Classification Criteria 13 December 2019. Collection method: clinical testing. Allele origin: germline.
Comment: This variant was observed in the ICSL laboratory as part of a predisposition screen in an ostensibly healthy population. It had not been previously curated by ICSL or reported in the Human Gene Mutation Database (HGMD: prior to June 1st, 2018), and was therefore a candidate for classification through an automated scoring system. Utilizing variant allele frequency, disease prevalence and penetrance estimates, and inheritance mode, an automated score was calculated to assess if this variant is too frequent to cause the disease. Based on the score and internal cut-off values, a variant classified as benign is not then subjected to further curation. The score for this variant resulted in a classification of benign for this disease.

NM_005546.4(ITK):c.*1866C>T

Gene: ITK (IL2 inducible T cell kinase; plus strand). Cytogenetic location: 5q33.3.
Variant type: single nucleotide variant.
Coding change: c.*1866C>T on transcript NM_005546.4 (MANE Select); 1866 bases downstream of the stop codon, C replaced by T.
Molecular consequence: 3 prime UTR variant.
Genome position (GRCh38, 1-based): chr5:157,254,544, C>T. VCF-style: chr5-157254544-C-T. GRCh37 (hg19) VCF-style: chr5-156681554-C-T.
Identifiers: ClinVar variation 352500 (VCV000352500.5), dbSNP rs111629533, ClinGen allele CA10619861.